The following is an entry in ClinVar:

ClinVar aggregate classification (germline): Likely pathogenic (1 of 4 stars; one submission).

Conditions:
Familial thoracic aortic aneurysm and aortic dissection (TAAD). Also called: Thoracic aortic aneurysms and dissections. Identifiers: Orphanet 91387, MedGen C4707243, MONDO:0019625.

Submission:

Ambry Genetics
Classification: Likely pathogenic for Familial thoracic aortic aneurysm and aortic dissection. Last evaluated: 2023-06-08. Review status: criteria provided, single submitter. Criteria: Ambry Variant Classification Scheme 2023. Collection method: clinical testing. Allele origin: germline.
Comment: The p.C380F variant (also known as c.1139G>T), located in coding exon 7 of the TGFB2 gene, results from a G to T substitution at nucleotide position 1139. The cysteine at codon 380 is replaced by phenylalanine, an amino acid with highly dissimilar properties. This variant co-segregated with aortic aneurysm/dissection in one family tested in our laboratory. This amino acid position is highly conserved in available vertebrate species. In addition, this alteration is predicted to be deleterious by in silico analysis. Moreover, internal structural analysis has revealed that this alteration would cause the loss of a structurally critical disulfide bond. Based on the majority of available evidence to date, this variant is likely to be pathogenic.

NM_003238.6(TGFB2):c.1139G>T (p.Cys380Phe)

Gene: TGFB2 (transforming growth factor beta 2; plus strand). Cytogenetic location: 1q41.
Variant type: single nucleotide variant.
Coding change: c.1139G>T on transcript NM_003238.6 (MANE Select); coding-DNA position 1139, G replaced by T.
Protein change: p.Cys380Phe; replaces cysteine 380 with phenylalanine.
Molecular consequence: missense variant. On other transcripts: non-coding transcript variant (2).
Genome position (GRCh38, 1-based): chr1:218,441,256, G>T. VCF-style: chr1-218441256-G-T. GRCh37 (hg19) VCF-style: chr1-218614598-G-T.
Other names: c.1223G>T, p.Cys408Phe (NM_001135599.4); short protein forms C380F, C408F.
Identifiers: ClinVar variation 520201 (VCV000520201.6), dbSNP rs1553303745, ClinGen allele CA344727869.